The following is an entry in ClinVar:

ClinVar aggregate classification (germline): Benign/Likely benign. Review status: criteria provided, multiple submitters, no conflicts (2 of 4 stars). 10 submissions from 10 submitters: Benign (5); Likely benign (3). 2 of the submissions do not count toward it. Last evaluated 2026-08-01.

Conditions:
Autosomal recessive spastic paraplegia type 78. Identifiers: Orphanet 513436, MedGen C5567893, MONDO:0014975, OMIM 617225.
Kufor-Rakeb syndrome (KRS). Also called: PARKINSON DISEASE 9, AUTOSOMAL RECESSIVE, JUVENILE-ONSET. Identifiers: Orphanet 306674, Orphanet 314632, MedGen C1847640, MONDO:0011706, OMIM 606693.
Inborn genetic diseases. Identifiers: MedGen C0950123, MeSH D030342.

Allele frequency attached by ClinVar (database versions not stated): ESP Exome Variant Server 0.00193; gnomAD exomes 0.00199 and 0.00342; gnomAD 0.00324 and 0.00336; TOPMed 0.00357; 1000 Genomes Project 30x 0.00562; 1000 Genomes Project 0.00579; ExAC 0.00712.
gnomAD v4.1: 3,469 of 1,589,758 alleles (0.22%); highest among the groups gnomAD compares: Middle Eastern, 1.3%; 21 homozygotes.

Submissions (10):

CeGaT Center for Human Genetics Tuebingen
Classification: Benign. Last evaluated: 2026-08-01. Review status: criteria provided, single submitter. Criteria: CeGaT Center For Human Genetics Tuebingen Variant Classification Criteria Version 2. Collection method: clinical testing. Allele origin: germline. Affected: yes. Observed: 23 variant alleles.
Comment: ATP13A2: BP4, BP7, BS1, BS2

Labcorp Genetics (formerly Invitae), Labcorp
Classification: Benign for Kufor-Rakeb syndrome; Autosomal recessive spastic paraplegia type 78. Last evaluated: 2026-01-28. Review status: criteria provided, single submitter. Criteria: Invitae Variant Classification Sherloc (09022015). Collection method: clinical testing. Allele origin: germline.

Mayo Clinic Laboratories, Mayo Clinic
Classification: Likely benign. Last evaluated: 2025-03-27. Review status: criteria provided, single submitter. Criteria: ACMG Guidelines, 2015. Collection method: clinical testing. Allele origin: germline. Observed: 11 variant alleles.
Comment: BS1, BP4, BP7

Athena Diagnostics
Classification: Benign. Last evaluated: 2018-08-31. Review status: criteria provided, single submitter. Criteria: Athena Diagnostics Criteria. Collection method: clinical testing. Allele origin: germline.

Illumina Laboratory Services, Illumina
Classification: Benign for Kufor-Rakeb syndrome. Last evaluated: 2017-04-27. Review status: criteria provided, single submitter. Criteria: ICSL Variant Classification Criteria 13 December 2019. Collection method: clinical testing. Allele origin: germline.
Comment: This variant was observed as part of a predisposition screen in an ostensibly healthy population. A literature search was performed for the gene, cDNA change, and amino acid change (where applicable). No publications were found based on this search. Allele frequency data from public databases was too high to be consistent with this variant causing disease. Therefore, this variant is classified as benign.

Ambry Genetics
Classification: Likely benign for Inborn genetic diseases. Last evaluated: 2016-02-22. Review status: criteria provided, single submitter. Criteria: Ambry Variant Classification Scheme 2023. Collection method: clinical testing. Allele origin: germline.

Breakthrough Genomics
Classification: Likely benign. Review status: criteria provided, single submitter. Criteria: ACMG Guidelines, 2015. Collection method: not provided. Allele origin: germline. Inheritance: Autosomal recessive inheritance. Affected: yes.

PreventionGenetics, part of Exact Sciences
Classification: Benign. Review status: criteria provided, single submitter. Criteria: ACMG Guidelines, 2015. Collection method: clinical testing. Allele origin: germline.

Clinical Genetics DNA and cytogenetics Diagnostics Lab, Erasmus MC, Erasmus Medical Center
Classification: Likely benign. Review status: no assertion criteria provided. Collection method: clinical testing. Allele origin: germline. Affected: yes. Study: VKGL Data-share Consensus. Not counted in ClinVar's aggregate classification.

Diagnostic Laboratory, Department of Genetics, University Medical Center Groningen
Classification: Likely benign for Kufor-Rakeb syndrome. Review status: no assertion criteria provided. Collection method: clinical testing. Allele origin: germline. Affected: yes. Study: VKGL Data-share Consensus. Not counted in ClinVar's aggregate classification.

NM_022089.4(ATP13A2):c.1614C>T (p.Pro538=)

Gene: ATP13A2 (ATPase cation transporting 13A2; minus strand). Cytogenetic location: 1p36.13.
Variant type: single nucleotide variant.
Coding change: c.1614C>T on transcript NM_022089.4 (MANE Select); coding-DNA position 1614, C replaced by T.
Protein change: p.Pro538=; no amino-acid change (proline 538 retained).
Molecular consequence: synonymous variant.
Genome position (GRCh38, 1-based): chr1:16,993,764, G>A on the plus strand (C>T on the coding strand, the complement: ATP13A2 is on the minus strand). VCF-style: chr1-16993764-G-A. GRCh37 (hg19) VCF-style: chr1-17320259-G-A.
Other names: p.Pro538=; c.1599C>T, p.Pro533= (NM_001141973.3, NM_001141974.3).
Identifiers: ClinVar variation 261541 (VCV000261541.88), dbSNP rs56351817, ClinGen allele CA637137.